The following is an entry in ClinVar:

ClinVar aggregate classification (germline): Uncertain significance. Review status: criteria provided, multiple submitters, no conflicts (2 of 4 stars). 3 submissions from 3 submitters: Uncertain significance (3). Last evaluated 2024-11-19.

Allele frequency attached by ClinVar (database versions not stated): gnomAD exomes 0.00003; ExAC 0.00004; TOPMed 0.00005; gnomAD 0.00006 and 0.00008.
gnomAD v4.1: 59 of 1,613,318 alleles (0.0037%); highest among the groups gnomAD compares: Middle Eastern, 0.17%; no homozygotes.

Submissions (3):

Labcorp Genetics (formerly Invitae), Labcorp
Classification: Uncertain significance. Last evaluated: 2024-11-19. Review status: criteria provided, single submitter. Criteria: Invitae Variant Classification Sherloc (09022015). Collection method: clinical testing. Allele origin: germline.
Comment: This sequence change replaces glutamic acid, which is acidic and polar, with lysine, which is basic and polar, at codon 2311 of the ACAN protein (p.Glu2311Lys). This variant is present in population databases (rs765080728, gnomAD 0.01%). This variant has not been reported in the literature in individuals affected with ACAN-related conditions. ClinVar contains an entry for this variant (Variation ID: 1315639). An algorithm developed to predict the effect of missense changes on protein structure and function outputs the following: PolyPhen-2: "Benign". The lysine amino acid residue is found in multiple mammalian species, which suggests that this missense change does not adversely affect protein function. In summary, the available evidence is currently insufficient to determine the role of this variant in disease. Therefore, it has been classified as a Variant of Uncertain Significance.

GeneDx
Classification: Uncertain significance. Last evaluated: 2019-06-07. Review status: criteria provided, single submitter. Criteria: GeneDx Variant Classification Process June 2021. Collection method: clinical testing. Allele origin: germline. Affected: yes.
Comment: In silico analysis, which includes protein predictors and evolutionary conservation, supports that this variant does not alter protein structure/function; Has not been previously published as pathogenic or benign to our knowledge

Breakthrough Genomics
Classification: Uncertain significance. Review status: criteria provided, single submitter. Criteria: ACMG Guidelines, 2015. Collection method: not provided. Allele origin: germline. Inheritance: Autosomal recessive inheritance. Affected: yes.

NM_001369268.1(ACAN):c.6931G>A (p.Glu2311Lys)

Gene: ACAN (aggrecan; plus strand). Cytogenetic location: 15q26.1.
Variant type: single nucleotide variant.
Coding change: c.6931G>A on transcript NM_001369268.1 (MANE Select); coding-DNA position 6931, G replaced by A.
Protein change: p.Glu2311Lys; replaces glutamic acid 2311 with lysine.
Molecular consequence: missense variant. On other transcripts: intron variant (1).
Genome position (GRCh38, 1-based): chr15:88,860,424, G>A. VCF-style: chr15-88860424-G-A. GRCh37 (hg19) VCF-style: chr15-89403655-G-A.
Other names: c.6931G>A, p.Glu2311Lys (NM_013227.4); c.6832+1007G>A (NM_001135.4); short protein forms E2311K.
Identifiers: ClinVar variation 1315639 (VCV001315639.10), dbSNP rs765080728, ClinGen allele CA7720525.